The following is an entry in ClinVar:

NM_000719.7(CACNA1C):c.5894C>T (p.Pro1965Leu)

Genes: CACNA1C (calcium voltage-gated channel subunit alpha1 C; plus strand), CACNA1C-AS1 (CACNA1C antisense RNA 1; minus strand). Cytogenetic location: 12p13.33.
Variant type: single nucleotide variant.
Coding change: c.5894C>T on transcript NM_000719.7 (MANE Select); coding-DNA position 5894, C replaced by T.
Protein change: p.Pro1965Leu; replaces proline 1965 with leucine.
Molecular consequence: missense variant.
Genome position (GRCh38, 1-based): chr12:2,688,556, C>T. VCF-style: chr12-2688556-C-T. GRCh37 (hg19) VCF-style: chr12-2797722-C-T.
Other names: c.6038C>T, p.Pro2013Leu (NM_001129827.2); c.6017C>T, p.Pro2006Leu (NM_001129829.2); c.5999C>T, p.Pro2000Leu (NM_001129830.3, NM_001167624.3); c.5978C>T, p.Pro1993Leu (NM_001129831.2); c.5954C>T, p.Pro1985Leu (NM_001129832.2); c.5951C>T, p.Pro1984Leu (NM_001129833.2, NM_001129834.2, NM_001129835.2); c.5945C>T, p.Pro1982Leu (NM_001129836.2); c.5918C>T, p.Pro1973Leu (NM_001129837.2, NM_001129838.2); and 6 more; short protein forms P1962L, P2025L, P1954L, P1971L, P1982L, P1993L, P2048L, P1973L.
Identifiers: ClinVar variation 970605 (VCV000970605.15), dbSNP rs958489483, ClinGen allele CA231617697.

ClinVar aggregate classification (germline): Conflicting classifications of pathogenicity. Review status: criteria provided, conflicting classifications (1 of 4 stars). 6 submissions from 6 submitters: Uncertain significance (5); Likely benign (1). Last evaluated 2026-05-08.

Conditions:
Brugada syndrome 3 (BRGDA3). Identifiers: Orphanet 130, MedGen C2678478, MONDO:0012742, OMIM 611875.
Timothy syndrome (TS). Also called: LONG QT SYNDROME WITH SYNDACTYLY. Identifiers: Orphanet 65283, MedGen C1832916, MeSH C536962, MONDO:0010979, OMIM 601005.
Long QT syndrome 8. Identifiers: MedGen CN260585, MONDO:0032756, OMIM 618447.
Cardiovascular phenotype. Identifiers: MedGen CN230736.
CACNA1C-related disorder. Also called: CACNA1C-related condition; CACNA1C-related disorders. Identifiers: MedGen CN381092, MONDO:0700321.
Long QT syndrome (LQTS). Identifiers: MedGen C0023976, MeSH D008133, MONDO:0002442. Disease mechanism: loss of function. Inheritance: Various modes of inheritance.

Allele frequency attached by ClinVar (database versions not stated): gnomAD exomes below 0.00001; gnomAD 0.00001; TOPMed 0.00001.
gnomAD v4.1: 5 of 1,613,952 alleles (0.00031%); highest among the groups gnomAD compares: African/African-American, 0.0013%; no homozygotes.

Submissions (6):

Women's Health and Genetics/Laboratory Corporation of America, LabCorp
Classification: Uncertain significance. Last evaluated: 2026-05-08. Review status: criteria provided, single submitter. Criteria: LabCorp Variant Classification Summary - May 2015. Collection method: clinical testing. Allele origin: germline.

PreventionGenetics, part of Exact Sciences
Classification: Uncertain significance for CACNA1C-related condition. Last evaluated: 2026-02-06. Review status: criteria provided, single submitter. Criteria: ACMG Guidelines, 2015. Collection method: clinical testing. Allele origin: germline.
Comment: The CACNA1C c.5894C>T variant is predicted to result in the amino acid substitution p.Pro1965Leu. To our knowledge, this variant has not been reported in the literature in individuals with CACNA1C-related disorders. This variant is reported in 1 allele out of 247854 alleles in gnomAD. At this time, the clinical significance of this variant is uncertain due to the absence of conclusive functional and genetic evidence.

Labcorp Genetics (formerly Invitae), Labcorp
Classification: Uncertain significance for Long QT syndrome. Last evaluated: 2026-01-05. Review status: criteria provided, single submitter. Criteria: Invitae Variant Classification Sherloc (09022015). Collection method: clinical testing. Allele origin: germline.
Comment: This sequence change replaces proline, which is neutral and non-polar, with leucine, which is neutral and non-polar, at codon 1965 of the CACNA1C protein (p.Pro1965Leu). This variant is present in population databases (no rsID available, gnomAD no frequency). This variant has not been reported in the literature in individuals affected with CACNA1C-related conditions. ClinVar contains an entry for this variant (Variation ID: 970605). Invitae Evidence Modeling of protein sequence and biophysical properties (such as structural, functional, and spatial information, amino acid conservation, physicochemical variation, residue mobility, and thermodynamic stability) indicates that this missense variant is not expected to disrupt CACNA1C protein function with a negative predictive value of 95%. In summary, the available evidence is currently insufficient to determine the role of this variant in disease. Therefore, it has been classified as a Variant of Uncertain Significance.

Blueprint Genetics
Classification: Uncertain significance. Last evaluated: 2024-05-15. Review status: criteria provided, single submitter. Criteria: ACMG Guidelines, 2015. Collection method: clinical testing. Allele origin: germline.

Ambry Genetics
Classification: Likely benign for Cardiovascular phenotype. Last evaluated: 2024-03-23. Review status: criteria provided, single submitter. Criteria: Ambry Variant Classification Scheme 2023. Collection method: clinical testing. Allele origin: germline.

Fulgent Genetics
Classification: Uncertain significance for Timothy syndrome; Brugada syndrome 3; Long QT syndrome 8. Last evaluated: 2021-08-13. Review status: criteria provided, single submitter. Criteria: ACMG Guidelines, 2015. Collection method: clinical testing. Allele origin: unknown.

Literature cited by the submitters: PubMed 32625235 (cited by Ambry Genetics).